The following is an entry in ClinVar:

ClinVar aggregate classification (germline): Uncertain significance (1 of 4 stars; one submission).

Conditions:
Dyskeratosis congenita, autosomal recessive 1. Identifiers: Orphanet 1775, MedGen C1857144, MONDO:0009136, OMIM 224230.

Submission:

Labcorp Genetics (formerly Invitae), Labcorp
Classification: Uncertain significance for Dyskeratosis congenita, autosomal recessive 1. Last evaluated: 2023-07-10. Review status: criteria provided, single submitter. Criteria: Invitae Variant Classification Sherloc (09022015). Collection method: clinical testing. Allele origin: germline.
Comment: In summary, the available evidence is currently insufficient to determine the role of this variant in disease. Therefore, it has been classified as a Variant of Uncertain Significance. ClinVar contains an entry for this variant (Variation ID: 2049282). This variant has not been reported in the literature in individuals affected with NOP10-related conditions. This variant is not present in population databases (gnomAD no frequency). This sequence change creates a premature translational stop signal (p.Gln26Aspfs*13) in the NOP10 gene. While this is not anticipated to result in nonsense mediated decay, it is expected to disrupt the last 39 amino acid(s) of the NOP10 protein.

NM_018648.4(NOP10):c.76_77del (p.Gln26fs)

Gene: NOP10 (NOP10 ribonucleoprotein; minus strand). Cytogenetic location: 15q14.
Variant type: Deletion.
Coding change: c.76_77del on transcript NM_018648.4 (MANE Select); coding-DNA positions 76 to 77, 2 bases deleted (CA; older notation c.76_77delCA).
Protein change: p.Gln26fs; shifts the reading frame from glutamine 26.
Molecular consequence: frameshift variant.
Genome position (GRCh38, 1-based): chr15:34,342,086-34,342,087, TG deleted on the plus strand (CA on the coding strand, the reverse complement: NOP10 is on the minus strand); deleting any 2 consecutive bases within chr15:34,342,086-34,342,088 gives the same sequence; the c. name uses the placement nearest the transcript's 3' end. VCF-style (leftmost placement, unchanged base first): chr15-34342085-CTG-C. GRCh37 (hg19) VCF-style: chr15-34634286-CTG-C.
Other names: short protein forms Q26fs.
Identifiers: ClinVar variation 2049282 (VCV002049282.4), dbSNP rs2510094866, ClinGen allele CA2580089262.